The following is an entry in ClinVar:

NM_001384732.1(CPLANE1):c.7691-6T>C

Gene: CPLANE1 (ciliogenesis and planar polarity effector complex subunit 1; minus strand). Cytogenetic location: 5p13.2.
Variant type: single nucleotide variant.
Coding change: c.7691-6T>C on transcript NM_001384732.1 (MANE Select); 6 bases into the intron before coding-DNA position 7691, T replaced by C.
Molecular consequence: intron variant.
Genome position (GRCh38, 1-based): chr5:37,158,351, A>G on the plus strand (T>C on the coding strand, the complement: CPLANE1 is on the minus strand). VCF-style: chr5-37158351-A-G. GRCh37 (hg19) VCF-style: chr5-37158453-A-G.
Other names: c.7691-6T>C (NM_023073.4, NM_023073.3).
Identifiers: ClinVar variation 1559943 (VCV001559943.10), dbSNP rs768225629, ClinGen allele CA3237966.

ClinVar aggregate classification (germline): Likely benign. Review status: criteria provided, single submitter (1 of 4 stars). 2 submissions from 2 submitters: Likely benign (1). 1 of the submissions does not count toward it. Last evaluated 2026-01-19.

Conditions:
CPLANE1-related disorder. Also called: CPLANE1-related condition.

Allele frequency attached by ClinVar (database versions not stated): TOPMed 0.00002; gnomAD exomes 0.00003 and 0.00005; gnomAD 0.00004; ExAC 0.00006.
gnomAD v4.1: 51 of 1,608,664 alleles (0.0032%); highest among the groups gnomAD compares: Non-Finnish European, 0.0039%; no homozygotes.

Submissions (2):

Labcorp Genetics (formerly Invitae), Labcorp
Classification: Likely benign. Last evaluated: 2026-01-19. Review status: criteria provided, single submitter. Criteria: Invitae Variant Classification Sherloc (09022015). Collection method: clinical testing. Allele origin: germline.

PreventionGenetics, part of Exact Sciences
Classification: Likely benign for CPLANE1-related condition. Last evaluated: 2022-11-18. Review status: no assertion criteria provided. Collection method: clinical testing. Allele origin: germline. Not counted in ClinVar's aggregate classification.
Comment: This variant is classified as likely benign based on ACMG/AMP sequence variant interpretation guidelines (Richards et al. 2015 PMID: 25741868, with internal and published modifications).